The following is an entry in ClinVar:

ClinVar aggregate classification (germline): Pathogenic, low penetrance (1 of 4 stars; one submission).

Conditions:
Atypical hemolytic-uremic syndrome. Identifiers: Orphanet 2134, MedGen C2931788, MONDO:0016244.

Submission:

Genomenon, Inc
Classification: Pathogenic, low penetrance for Atypical hemolytic-uremic syndrome. Last evaluated: 2025-10-02. Review status: criteria provided, single submitter. Criteria: Genomenon Sequence Variant Interpretation Standards - Updated. Collection method: curation. Allele origin: germline. Affected: yes.
Comment: CFH p.Ile124MetfsTer13 (c.372_396del) is a frameshift variant that results in the production of a truncated protein which is predicted to undergo nonsense-mediated mRNA decay. This variant has been observed in at least one proband affected with atypical hemolytic-uremic syndrome (PMID:14978182). It is absent or not present at a significant frequency in gnomAD. In conclusion, we classify CFH p.Ile124MetfsTer13 (c.372_396del) as a pathogenic, low penetrance variant.

Literature cited by the submitters: PubMed 14978182.

NM_000186.4(CFH):c.372_396del (p.Ile124fs)

Gene: CFH (complement factor H; plus strand). Cytogenetic location: 1q31.3.
Variant type: Deletion.
Coding change: c.372_396del on transcript NM_000186.4 (MANE Select); coding-DNA positions 372 to 396, 25 bases deleted (TAATTACCGTGAATGTGACACAGAT).
Protein change: p.Ile124fs; shifts the reading frame from isoleucine 124.
Molecular consequence: frameshift variant.
Genome position (GRCh38, 1-based): chr1:196,676,010-196,676,034, TAATTACCGTGAATGTGACACAGAT deleted; deleting any 25 consecutive bases within chr1:196,676,006-196,676,034 gives the same sequence; the c. name uses the placement nearest the transcript's 3' end. VCF-style (leftmost placement, unchanged base first): chr1-196676005-GAGATTAATTACCGTGAATGTGACAC-G. GRCh37 (hg19) VCF-style: chr1-196645135-GAGATTAATTACCGTGAATGTGACAC-G.
Other names: c.372_396del, p.Ile124fs (NM_001014975.3); short protein forms I124fs.
Identifiers: ClinVar variation 4291681 (VCV004291681.1).